The following is an entry in ClinVar:

NM_001164508.2(NEB):c.21862G>A (p.Glu7288Lys)

Genes: NEB (nebulin; minus strand), RIF1 (replication timing regulatory factor 1; plus strand). Cytogenetic location: 2q23.3.
Variant type: single nucleotide variant.
Coding change: c.21862G>A on transcript NM_001164508.2 (MANE Select); coding-DNA position 21862, G replaced by A.
Protein change: p.Glu7288Lys; replaces glutamic acid 7288 with lysine.
Molecular consequence: missense variant.
Genome position (GRCh38, 1-based): chr2:151,527,001, C>T on the plus strand (G>A on the coding strand, the complement: NEB is on the minus strand). VCF-style: chr2-151527001-C-T. GRCh37 (hg19) VCF-style: chr2-152383515-C-T.
Other names: c.21862G>A, p.Glu7288Lys (NM_001164507.2); c.21967G>A, p.Glu7323Lys (NM_001271208.2); c.16759G>A, p.Glu5587Lys (NM_004543.5); short protein forms E7288K, E7323K, E5587K.
Identifiers: ClinVar variation 1380349 (VCV001380349.8), dbSNP rs768693028, ClinGen allele CA1906847.

ClinVar aggregate classification (germline): Uncertain significance (1 of 4 stars; one submission).

Conditions:
Nemaline myopathy 2 (NEM2). Also called: Nemaline myopathy 2, autosomal recessive. Identifiers: MedGen C1850569, MONDO:0009725, OMIM 256030.

gnomAD v4.1: 14 of 1,599,222 alleles (0.00088%); highest among the groups gnomAD compares: Non-Finnish European, 0.0011%; no homozygotes.

Submission:

Labcorp Genetics (formerly Invitae), Labcorp
Classification: Uncertain significance for Nemaline myopathy 2. Last evaluated: 2021-04-23. Review status: criteria provided, single submitter. Criteria: Invitae Variant Classification Sherloc (09022015). Collection method: clinical testing. Allele origin: germline.
Comment: In summary, the available evidence is currently insufficient to determine the role of this variant in disease. Therefore, it has been classified as a Variant of Uncertain Significance. Algorithms developed to predict the effect of missense changes on protein structure and function are either unavailable or do not agree on the potential impact of this missense change (SIFT: "Deleterious"; PolyPhen-2: "Not Available"; Align-GVGD: "Class C0"). This variant has not been reported in the literature in individuals with NEB-related conditions. This variant is present in population databases (rs768693028, ExAC 0.004%). This sequence change replaces glutamic acid with lysine at codon 7323 of the NEB protein (p.Glu7323Lys). The glutamic acid residue is moderately conserved and there is a small physicochemical difference between glutamic acid and lysine.